The following is an entry in ClinVar:

ClinVar aggregate classification (germline): Likely benign (1 of 4 stars; one submission).

Submission:

CeGaT Center for Human Genetics Tuebingen
Classification: Likely benign. Last evaluated: 2025-09-01. Review status: criteria provided, single submitter. Criteria: CeGaT Center For Human Genetics Tuebingen Variant Classification Criteria Version 2. Collection method: clinical testing. Allele origin: germline. Affected: yes. Observed: 1 variant allele.
Comment: PHC1: BP4, BP7

NM_004426.3(PHC1):c.1305G>A (p.Gln435=)

Gene: PHC1 (polyhomeotic homolog 1; plus strand). Cytogenetic location: 12p13.31.
Variant type: single nucleotide variant.
Coding change: c.1305G>A on transcript NM_004426.3 (MANE Select); coding-DNA position 1305, G replaced by A.
Protein change: p.Gln435=; no amino-acid change (glutamine 435 retained).
Molecular consequence: synonymous variant. On other transcripts: non-coding transcript variant (1).
Genome position (GRCh38, 1-based): chr12:8,932,762, G>A. VCF-style: chr12-8932762-G-A. GRCh37 (hg19) VCF-style: chr12-9085358-G-A.
Other names: c.1305G>A, p.Gln435= (NM_001413746.1, NM_001413747.1, NM_001413748.1 and 4 more transcripts); c.1281G>A, p.Gln427= (NM_001413750.1, NM_001413751.1, NM_001413752.1 and 1 more transcripts); c.1155G>A, p.Gln385= (NM_001413753.1, NM_001413754.1); c.1299G>A, p.Gln433= (NM_001413739.1); c.1194G>A, p.Gln398= (NM_001413741.1); c.1149G>A, p.Gln383= (NM_001413742.1, NM_001413743.1).
Identifiers: ClinVar variation 4281186 (VCV004281186.7).